The following is an entry in ClinVar:

ClinVar aggregate classification (germline): Uncertain significance (1 of 4 stars; one submission).

Conditions:
Hereditary sensory and autonomic neuropathy type 6. Also called: Neuropathy, hereditary sensory and autonomic, type VI; HSAN VI. Identifiers: Orphanet 314381, MedGen C3539003, MONDO:0013839, OMIM 614653.
Epidermolysis bullosa simplex 3, localized or generalized intermediate, with BP230 deficiency (EBS3). Also called: Epidermolysis bullosa simplex, autosomal recessive 2; Epidermolysis bullosa simplex due to BP230 deficiency. Identifiers: Orphanet 412181, MedGen C3809470, MONDO:0014180, OMIM 615425.

Allele frequency attached by ClinVar (database versions not stated): gnomAD exomes below 0.00001; gnomAD 0.00001; TOPMed 0.00001.
gnomAD v4.1: 7 of 1,613,906 alleles (0.00043%); highest among the groups gnomAD compares: Non-Finnish European, 0.00059%; no homozygotes.

Submission:

Labcorp Genetics (formerly Invitae), Labcorp
Classification: Uncertain significance for Epidermolysis bullosa simplex 3, localized or generalized intermediate, with BP230 deficiency; Hereditary sensory and autonomic neuropathy type 6. Last evaluated: 2022-04-07. Review status: criteria provided, single submitter. Criteria: Invitae Variant Classification Sherloc (09022015). Collection method: clinical testing. Allele origin: germline.
Comment: The DST gene has multiple clinically relevant transcripts. This variant occurs in alternate transcript NM_015548.4, and corresponds to NM_001723.5:c.*62597G>A in the primary transcript. This sequence change replaces cysteine, which is neutral and slightly polar, with tyrosine, which is neutral and polar, at codon 2668 of the DST protein (p.Cys2668Tyr). This variant is present in population databases (no rsID available, gnomAD 0.01%). This variant has not been reported in the literature in individuals affected with DST-related conditions. Experimental studies and prediction algorithms are not available or were not evaluated, and the functional significance of this variant is currently unknown. In summary, the available evidence is currently insufficient to determine the role of this variant in disease. Therefore, it has been classified as a Variant of Uncertain Significance.

NM_001374736.1(DST):c.15872G>A (p.Cys5291Tyr)

Gene: DST (dystonin; minus strand). Cytogenetic location: 6p12.1.
Variant type: single nucleotide variant.
Coding change: c.15872G>A on transcript NM_001374736.1 (MANE Select); coding-DNA position 15872, G replaced by A.
Protein change: p.Cys5291Tyr; replaces cysteine 5291 with tyrosine.
Molecular consequence: missense variant.
Genome position (GRCh38, 1-based): chr6:56,552,920, C>T on the plus strand (G>A on the coding strand, the complement: DST is on the minus strand). VCF-style: chr6-56552920-C-T. GRCh37 (hg19) VCF-style: chr6-56417718-C-T.
Other names: c.9515G>A, p.Cys3172Tyr (NM_001144769.5); c.9101G>A, p.Cys3034Tyr (NM_001144770.2); c.15872G>A, p.Cys5291Tyr (NM_001374722.1); c.15239G>A, p.Cys5080Tyr (NM_001374729.1); c.8981G>A, p.Cys2994Tyr (NM_001374730.1, NM_001386100.1, NM_183380.4); c.15899G>A, p.Cys5300Tyr (NM_001374734.1); c.8003G>A, p.Cys2668Tyr (NM_015548.5); short protein forms C2994Y, C3172Y, C5300Y, C2668Y, C5080Y, C5291Y, C3034Y.
Identifiers: ClinVar variation 1410360 (VCV001410360.3), dbSNP rs1277842853, ClinGen allele CA364515622.
Genomic context (GRCh38, chr6:56,552,920, plus strand): 5'-TATTTGTTACTGTAAGCCTGGGATCCCAGCGAATCATGGATATCTAGCTGCTCCTTTGCA[C>T]ACTGAAGCTGCCTTTTAGATTCTTTGGAAACTTCTTGAAATTCTTTAAACTTCTGAGTCA-3'
Protein context (NP_001361665.1, residues 5281-5301): VSKESKRQLQ[Cys5291Tyr]AKEQLDIHDS